The following is an entry in ClinVar:

ClinVar aggregate classification (germline): Uncertain significance. Review status: criteria provided, multiple submitters, no conflicts (2 of 4 stars). 3 submissions from 3 submitters: Uncertain significance (3). Last evaluated 2025-10-26.

Conditions:
Cardiovascular phenotype. Identifiers: MedGen CN230736.
Myofibrillar myopathy 5. Also called: FILAMINOPATHY, AUTOSOMAL DOMINANT; Filaminopathy (type). Identifiers: Orphanet 171445, MedGen C1836050, MONDO:0012289, OMIM 609524.
Distal myopathy with posterior leg and anterior hand involvement. Also called: WILLIAMS DISTAL MYOPATHY. Identifiers: Orphanet 63273, MedGen C3279722, MONDO:0013550, OMIM 614065.
Hypertrophic cardiomyopathy 26. Also called: Cardiomyopathy, familial hypertrophic, 26. Identifiers: Orphanet 75249, MedGen C4310749, MONDO:0014883, OMIM 617047.

Allele frequency attached by ClinVar (database versions not stated): ExAC 0.00001; gnomAD 0.00001; gnomAD exomes 0.00001 and 0.00002; TOPMed 0.00002.
gnomAD v4.1: 25 of 1,613,940 alleles (0.0015%); highest among the groups gnomAD compares: Non-Finnish European, 0.0018%; no homozygotes.

Submissions (3):

Ambry Genetics
Classification: Uncertain significance for Cardiovascular phenotype. Last evaluated: 2025-10-26. Review status: criteria provided, single submitter. Criteria: Ambry Variant Classification Scheme 2023. Collection method: clinical testing. Allele origin: germline.
Comment: The p.G995S variant (also known as c.2983G>A), located in coding exon 20 of the FLNC gene, results from a G to A substitution at nucleotide position 2983. The glycine at codon 995 is replaced by serine, an amino acid with similar properties. This amino acid position is conserved. In addition, this alteration is predicted to be deleterious by in silico analysis. Since supporting evidence is limited at this time, the clinical significance of this alteration remains unclear.

Labcorp Genetics (formerly Invitae), Labcorp
Classification: Uncertain significance for Distal myopathy with posterior leg and anterior hand involvement; Myofibrillar myopathy 5; Hypertrophic cardiomyopathy 26. Last evaluated: 2025-10-23. Review status: criteria provided, single submitter. Criteria: Invitae Variant Classification Sherloc (09022015). Collection method: clinical testing. Allele origin: germline.
Comment: This sequence change replaces glycine, which is neutral and non-polar, with serine, which is neutral and polar, at codon 995 of the FLNC protein (p.Gly995Ser). This variant is present in population databases (rs752053093, gnomAD 0.002%). This variant has not been reported in the literature in individuals affected with FLNC-related conditions. ClinVar contains an entry for this variant (Variation ID: 1052412). Invitae Evidence Modeling of protein sequence and biophysical properties (such as structural, functional, and spatial information, amino acid conservation, physicochemical variation, residue mobility, and thermodynamic stability) has been performed for this missense variant. However, the output from this modeling did not meet the statistical confidence thresholds required to predict the impact of this variant on FLNC protein function. In summary, the available evidence is currently insufficient to determine the role of this variant in disease. Therefore, it has been classified as a Variant of Uncertain Significance.

GeneDx
Classification: Uncertain significance. Last evaluated: 2022-06-22. Review status: criteria provided, single submitter. Criteria: GeneDx Variant Classification Process June 2021. Collection method: clinical testing. Allele origin: germline. Affected: yes.
Comment: Has not been previously published as pathogenic or benign to our knowledge; In silico analysis supports that this missense variant has a deleterious effect on protein structure/function; Not observed at significant frequency in large population cohorts (gnomAD)

NM_001458.5(FLNC):c.2983G>A (p.Gly995Ser)

Gene: FLNC (filamin C; plus strand). Cytogenetic location: 7q32.1.
Variant type: single nucleotide variant.
Coding change: c.2983G>A on transcript NM_001458.5 (MANE Select); coding-DNA position 2983, G replaced by A.
Protein change: p.Gly995Ser; replaces glycine 995 with serine.
Molecular consequence: missense variant.
Genome position (GRCh38, 1-based): chr7:128,844,057, G>A. VCF-style: chr7-128844057-G-A. GRCh37 (hg19) VCF-style: chr7-128484111-G-A.
Other names: c.2983G>A, p.Gly995Ser (NM_001127487.2); short protein forms G995S.
Identifiers: ClinVar variation 1052412 (VCV001052412.12), dbSNP rs752053093, ClinGen allele CA4474929.